The following is an entry in ClinVar:

ClinVar aggregate classification (germline): Conflicting classifications of pathogenicity. Review status: criteria provided, conflicting classifications (1 of 4 stars). 2 submissions from 2 submitters: Uncertain significance (1); Likely benign (1). Last evaluated 2025-11-20.

Allele frequency attached by ClinVar (database versions not stated): TOPMed below 0.00001.
gnomAD v4.1: 4 of 1,609,650 alleles (0.00025%); highest among the groups gnomAD compares: Non-Finnish European, 0.00034%; no homozygotes.

Submissions (2):

Labcorp Genetics (formerly Invitae), Labcorp
Classification: Likely benign. Last evaluated: 2025-11-20. Review status: criteria provided, single submitter. Criteria: Invitae Variant Classification Sherloc (09022015). Collection method: clinical testing. Allele origin: germline.

GeneDx
Classification: Uncertain significance. Last evaluated: 2023-11-08. Review status: criteria provided, single submitter. Criteria: GeneDx Variant Classification Process June 2021. Collection method: clinical testing. Allele origin: germline. Affected: yes.
Comment: Not observed at significant frequency in large population cohorts (gnomAD); In silico analysis supports a deleterious effect on splicing; Has not been previously published as pathogenic or benign to our knowledge

NM_006231.4(POLE):c.2469-13G>A

Gene: POLE (DNA polymerase epsilon, catalytic subunit; minus strand). Cytogenetic location: 12q24.33.
Variant type: single nucleotide variant.
Coding change: c.2469-13G>A on transcript NM_006231.4 (MANE Select); 13 bases into the intron before coding-DNA position 2469, G replaced by A.
Molecular consequence: intron variant.
Genome position (GRCh38, 1-based): chr12:132,664,475, C>T on the plus strand (G>A on the coding strand, the complement: POLE is on the minus strand). VCF-style: chr12-132664475-C-T. GRCh37 (hg19) VCF-style: chr12-133241061-C-T.
Identifiers: ClinVar variation 1627647 (VCV001627647.9), dbSNP rs202020608, ClinGen allele CA608514223.